The following is an entry in ClinVar:

ClinVar aggregate classification (germline): Likely benign. Review status: criteria provided, single submitter (1 of 4 stars). 2 submissions from 2 submitters: Likely benign (1). 1 of the submissions does not count toward it. Last evaluated 2025-07-30.

Conditions:
CCDC88A-related disorder. Also called: CCDC88A-related condition.

Allele frequency attached by ClinVar (database versions not stated): gnomAD exomes 0.00001; gnomAD 0.00003 and 0.00004; TOPMed 0.00011.

Submissions (2):

Labcorp Genetics (formerly Invitae), Labcorp
Classification: Likely benign. Last evaluated: 2025-07-30. Review status: criteria provided, single submitter. Criteria: Invitae Variant Classification Sherloc (09022015). Collection method: clinical testing. Allele origin: germline.

PreventionGenetics, part of Exact Sciences
Classification: Likely benign for CCDC88A-related condition. Last evaluated: 2019-02-25. Review status: no assertion criteria provided. Collection method: clinical testing. Allele origin: germline. Not counted in ClinVar's aggregate classification.
Comment: This variant is classified as likely benign based on ACMG/AMP sequence variant interpretation guidelines (Richards et al. 2015 PMID: 25741868, with internal and published modifications).

NM_001365480.1(CCDC88A):c.1704T>C (p.Ser568=)

Gene: CCDC88A (coiled-coil and HOOK domain protein 88A; minus strand). Cytogenetic location: 2p16.1.
Variant type: single nucleotide variant.
Coding change: c.1704T>C on transcript NM_001365480.1 (MANE Select); coding-DNA position 1704, T replaced by C.
Protein change: p.Ser568=; no amino-acid change (serine 568 retained).
Molecular consequence: synonymous variant.
Genome position (GRCh38, 1-based): chr2:55,335,117, A>G on the plus strand (T>C on the coding strand, the complement: CCDC88A is on the minus strand). VCF-style: chr2-55335117-A-G. GRCh37 (hg19) VCF-style: chr2-55562253-A-G.
Other names: c.1704T>C, p.Ser568= (NM_001135597.2, NM_001254943.2, NM_018084.5); c.1704T>C (NM_001135597.1).
Identifiers: ClinVar variation 1608446 (VCV001608446.10), dbSNP rs897388237, ClinGen allele CA47605307.